The following is an entry in ClinVar:

ClinVar aggregate classification (germline): Benign (1 of 4 stars; one submission).

Allele frequency attached by ClinVar (database versions not stated): gnomAD 0.03484 and 0.03765; 1000 Genomes Project 0.03754; TOPMed 0.03864; 1000 Genomes Project 30x 0.03888.
gnomAD v4.1: 5,249 of 152,162 alleles (3.4%); highest among the groups gnomAD compares: African/African-American, 12%; 344 homozygotes.

Submission:

GeneDx
Classification: Benign. Last evaluated: 2018-06-16. Review status: criteria provided, single submitter. Criteria: GeneDx Variant Classification (06012015). Collection method: clinical testing. Allele origin: germline. Affected: yes.
Comment: This variant is considered likely benign or benign based on one or more of the following criteria: it is a conservative change, it occurs at a poorly conserved position in the protein, it is predicted to be benign by multiple in silico algorithms, and/or has population frequency not consistent with disease.

NM_130837.3(OPA1):c.2661+306C>T

Gene: OPA1 (OPA1 mitochondrial dynamin like GTPase; plus strand). Cytogenetic location: 3q29.
Variant type: single nucleotide variant.
Coding change: c.2661+306C>T on transcript NM_130837.3 (MANE Select); 306 bases into the intron after coding-DNA position 2661, C replaced by T.
Molecular consequence: intron variant.
Genome position (GRCh38, 1-based): chr3:193,663,268, C>T. VCF-style: chr3-193663268-C-T. GRCh37 (hg19) VCF-style: chr3-193381057-C-T.
Other names: c.2124+306C>T (NM_001354664.2); c.2127+306C>T (NM_001354663.2); c.2550+306C>T (NM_130834.3); c.2607+306C>T (NM_130836.3); c.2496+306C>T (NM_015560.3); c.2553+306C>T (NM_130835.3); c.2442+306C>T (NM_130832.3); c.2499+306C>T (NM_130833.3); and 1 more.
Identifiers: ClinVar variation 673747 (VCV000673747.1), dbSNP rs79665962, ClinGen allele CA90554932.
Genomic context (GRCh38, chr3:193,663,268, plus strand): 5'-GGTCAACAGTCAGTTCATGCAAAATGGGATGAAACCGACCTAGACCTTTGCCCCACGTCA[C>T]GCTGTTTCAGATTGCAAAATAGAATTTCTGTTTAAAAATGGCATATATATGTGTTTTTGT-3'